The following is an entry in ClinVar:

NM_033453.4(ITPA):c.523G>A (p.Val175Ile)

Gene: ITPA (inosine triphosphatase; plus strand). Cytogenetic location: 20p13.
Variant type: single nucleotide variant.
Coding change: c.523G>A on transcript NM_033453.4 (MANE Select); coding-DNA position 523, G replaced by A.
Protein change: p.Val175Ile; replaces valine 175 with isoleucine.
Molecular consequence: missense variant. On other transcripts: synonymous variant (5), non-coding transcript variant (2), intron variant (1).
Genome position (GRCh38, 1-based): chr20:3,223,400, G>A. VCF-style: chr20-3223400-G-A. GRCh37 (hg19) VCF-style: chr20-3204046-G-A.
Other names: c.400G>A, p.Val134Ile (NM_001267623.2); c.186G>A, p.Leu62= (NM_001324236.2, NM_001324237.2, NM_001324238.2 and 1 more transcripts); c.570G>A, p.Leu190= (NM_001424408.1); c.649G>A, p.Val217Ile (NM_001424409.1); c.472G>A, p.Val158Ile (NM_181493.4); c.412-3283G>A (NM_001324240.2); short protein forms V158I, V134I, V175I, V217I.
Identifiers: ClinVar variation 2135594 (VCV002135594.4), dbSNP rs1600541745, ClinGen allele CA408081653.

ClinVar aggregate classification (germline): Uncertain significance (1 of 4 stars; one submission).

Conditions:
Inosine triphosphatase deficiency. Also called: INOSINE TRIPHOSPHATE PYROPHOSPHOHYDROLASE DEFICIENCY. Identifiers: MedGen C0342800, MONDO:0013461, OMIM 613850.

Submission:

Labcorp Genetics (formerly Invitae), Labcorp
Classification: Uncertain significance for Inosine triphosphatase deficiency. Last evaluated: 2022-05-08. Review status: criteria provided, single submitter. Criteria: Invitae Variant Classification Sherloc (09022015). Collection method: clinical testing. Allele origin: germline.
Comment: In summary, the available evidence is currently insufficient to determine the role of this variant in disease. Therefore, it has been classified as a Variant of Uncertain Significance. Algorithms developed to predict the effect of missense changes on protein structure and function output the following: SIFT: "Tolerated"; PolyPhen-2: "Benign"; Align-GVGD: "Class C0". The isoleucine amino acid residue is found in multiple mammalian species, which suggests that this missense change does not adversely affect protein function. This variant has not been reported in the literature in individuals affected with ITPA-related conditions. This variant is not present in population databases (gnomAD no frequency). This sequence change replaces valine, which is neutral and non-polar, with isoleucine, which is neutral and non-polar, at codon 175 of the ITPA protein (p.Val175Ile).